The following is an entry in ClinVar:

NM_004595.5(SMS):c.979C>A (p.Leu327Ile)

Gene: SMS (spermine synthase; plus strand). Cytogenetic location: Xp22.11.
Variant type: single nucleotide variant.
Coding change: c.979C>A on transcript NM_004595.5 (MANE Select); coding-DNA position 979, C replaced by A.
Protein change: p.Leu327Ile; replaces leucine 327 with isoleucine.
Molecular consequence: missense variant.
Genome position (GRCh38, 1-based): chrX:21,992,630, C>A. VCF-style: chrX-21992630-C-A. GRCh37 (hg19) VCF-style: chrX-22010748-C-A.
Other names: c.820C>A, p.Leu274Ile (NM_001258423.2); short protein forms L274I, L327I.
Identifiers: ClinVar variation 1306898 (VCV001306898.4), dbSNP rs940753056, ClinGen allele CA327513816.

ClinVar aggregate classification (germline): Uncertain significance (1 of 4 stars; one submission).

Submission:

GeneDx
Classification: Uncertain significance. Last evaluated: 2023-01-27. Review status: criteria provided, single submitter. Criteria: GeneDx Variant Classification Process June 2021. Collection method: clinical testing. Allele origin: germline. Affected: yes.
Comment: Not observed at significant frequency in large population cohorts (gnomAD); In silico analysis supports that this missense variant does not alter protein structure/function; Has not been previously published as pathogenic or benign to our knowledge